The following is an entry in ClinVar:

ClinVar aggregate classification (germline): Uncertain significance. Review status: criteria provided, multiple submitters, no conflicts (2 of 4 stars). 4 submissions from 4 submitters: Uncertain significance (4). Last evaluated 2025-12-08.

Conditions:
Cardiovascular phenotype. Identifiers: MedGen CN230736.
Brugada syndrome 4 (BRGDA4). Identifiers: Orphanet 130, MedGen C2678477, MONDO:0012743, OMIM 611876.
CACNB2-related disorder. Also called: CACNB2-related condition.

Allele frequency attached by ClinVar (database versions not stated): gnomAD exomes below 0.00001; gnomAD 0.00001; TOPMed 0.00002; ESP Exome Variant Server 0.00008.
gnomAD v4.1: 5 of 1,613,964 alleles (0.00031%); highest among the groups gnomAD compares: African/African-American, 0.004%; no homozygotes.

Submissions (4):

Labcorp Genetics (formerly Invitae), Labcorp
Classification: Uncertain significance for Brugada syndrome 4. Last evaluated: 2025-12-08. Review status: criteria provided, single submitter. Criteria: Invitae Variant Classification Sherloc (09022015). Collection method: clinical testing. Allele origin: germline.
Comment: This sequence change replaces alanine, which is neutral and non-polar, with valine, which is neutral and non-polar, at codon 74 of the CACNB2 protein (p.Ala74Val). This variant is not present in population databases (gnomAD no frequency). This variant has not been reported in the literature in individuals affected with CACNB2-related conditions. ClinVar contains an entry for this variant (Variation ID: 1377949). Invitae Evidence Modeling of protein sequence and biophysical properties (such as structural, functional, and spatial information, amino acid conservation, physicochemical variation, residue mobility, and thermodynamic stability) indicates that this missense variant is not expected to disrupt CACNB2 protein function with a negative predictive value of 80%. In summary, the available evidence is currently insufficient to determine the role of this variant in disease. Therefore, it has been classified as a Variant of Uncertain Significance.

PreventionGenetics, part of Exact Sciences
Classification: Uncertain significance for CACNB2-related condition. Last evaluated: 2025-10-06. Review status: criteria provided, single submitter. Criteria: ACMG Guidelines, 2015. Collection method: clinical testing. Allele origin: germline.
Comment: The CACNB2 c.221C>T variant is predicted to result in the amino acid substitution p.Ala74Val. To our knowledge, this variant has not been reported in the literature or in a large population database (gnomAD), indicating this variant is rare. At this time, the clinical significance of this variant is uncertain due to the absence of conclusive functional and genetic evidence.

Ambry Genetics
Classification: Uncertain significance for Cardiovascular phenotype. Last evaluated: 2022-06-14. Review status: criteria provided, single submitter. Criteria: Ambry Variant Classification Scheme 2023. Collection method: clinical testing. Allele origin: germline.
Comment: The p.A74V variant (also known as c.221C>T), located in coding exon 3 of the CACNB2 gene, results from a C to T substitution at nucleotide position 221. The alanine at codon 74 is replaced by valine, an amino acid with similar properties. This amino acid position is not well conserved in available vertebrate species. In addition, this alteration is predicted to be tolerated by in silico analysis. The evidence for this gene-disease relationship is limited; therefore, the clinical significance of this alteration is unclear.

Fulgent Genetics
Classification: Uncertain significance for Brugada syndrome 4. Last evaluated: 2021-10-12. Review status: criteria provided, single submitter. Criteria: ACMG Guidelines, 2015. Collection method: clinical testing. Allele origin: unknown.

NM_201596.3(CACNB2):c.383C>T (p.Ala128Val)

Gene: CACNB2 (calcium voltage-gated channel auxiliary subunit beta 2; plus strand). Cytogenetic location: 10p12.31.
Variant type: single nucleotide variant.
Coding change: c.383C>T on transcript NM_201596.3 (MANE Select); coding-DNA position 383, C replaced by T.
Protein change: p.Ala128Val; replaces alanine 128 with valine.
Molecular consequence: missense variant.
Genome position (GRCh38, 1-based): chr10:18,498,404, C>T. VCF-style: chr10-18498404-C-T. GRCh37 (hg19) VCF-style: chr10-18787333-C-T.
Other names: c.218C>T, p.Ala73Val (NM_000724.4, NM_001330060.2); c.299C>T, p.Ala100Val (NM_001167945.2, NM_201571.4, NM_201572.4); c.239C>T, p.Ala80Val (NM_201570.3); c.221C>T, p.Ala74Val (NM_201590.3); c.383C>T, p.Ala128Val (NM_201593.3, NM_201597.3); short protein forms A100V, A80V, A73V, A128V, A74V.
Identifiers: ClinVar variation 1377949 (VCV001377949.12), dbSNP rs376636577, ClinGen allele CA203213864.